The following is an entry in ClinVar:

ClinVar aggregate classification (germline): Uncertain significance (1 of 4 stars; one submission).

Conditions:
Harel-Yoon syndrome (HAYOS). Also called: Optic atrophy-peripheral neuropathy-developmental delay syndrome. Identifiers: Orphanet 496790, MedGen C4310677, MONDO:0014958, OMIM 617183.

Submission:

3billion
Classification: Uncertain significance for Harel-Yoon syndrome. Last evaluated: 2025-11-06. Review status: criteria provided, single submitter. Criteria: ACMG Guidelines, 2015. Collection method: clinical testing. Allele origin: germline. Affected: yes.
Comment: The variant is not observed in the gnomAD v4.1.0 dataset. Predicted Consequence/Location: Missense variant In silico tool predictions suggest damaging effect of the variant on gene or gene product [REVEL: 0.79 (>=0.6, sensitivity 0.68 and specificity 0.92)]. Different missense changes at the same codon have been reported as of uncertain significance (ClinVar ID: VCV003337823). Therefore, this variant is classified as VUS according to the recommendation of ACMG/AMP guideline.

NM_001170535.3(ATAD3A):c.1000G>C (p.Ala334Pro)

Gene: ATAD3A (ATPase family AAA domain containing 3A; plus strand). Cytogenetic location: 1p36.33.
Variant type: single nucleotide variant.
Coding change: c.1000G>C on transcript NM_001170535.3 (MANE Select); coding-DNA position 1000, G replaced by C.
Protein change: p.Ala334Pro; replaces alanine 334 with proline.
Molecular consequence: missense variant.
Genome position (GRCh38, 1-based): chr1:1,523,875, G>C. VCF-style: chr1-1523875-G-C. GRCh37 (hg19) VCF-style: chr1-1459255-G-C.
Other names: c.763G>C, p.Ala255Pro (NM_001170536.3); c.1144G>C, p.Ala382Pro (NM_018188.5); short protein forms A255P, A334P, A382P.
Identifiers: ClinVar variation 4856322 (VCV004856322.1).